The following is an entry in ClinVar:

ClinVar aggregate classification (germline): Uncertain significance (1 of 4 stars; one submission).

Submission:

Ambry Genetics
Classification: Uncertain significance. Last evaluated: 2025-02-01. Review status: criteria provided, single submitter. Criteria: Ambry Variant Classification Scheme 2023. Collection method: clinical testing. Allele origin: germline.
Comment: The p.G169R variant (also known as c.505G>C), located in coding exon 3 of the GFI1 gene, results from a G to C substitution at nucleotide position 505. The glycine at codon 169 is replaced by arginine, an amino acid with dissimilar properties. This amino acid position is conserved. In addition, this alteration is predicted to be tolerated by in silico analysis. Based on the available evidence, the clinical significance of this variant remains unclear.

NM_005263.5(GFI1):c.505G>C (p.Gly169Arg)

Gene: GFI1 (growth factor independent 1 transcriptional repressor; minus strand). Cytogenetic location: 1p22.1.
Variant type: single nucleotide variant.
Coding change: c.505G>C on transcript NM_005263.5 (MANE Select); coding-DNA position 505, G replaced by C.
Protein change: p.Gly169Arg; replaces glycine 169 with arginine.
Molecular consequence: missense variant.
Genome position (GRCh38, 1-based): chr1:92,480,882, C>G on the plus strand (G>C on the coding strand, the complement: GFI1 is on the minus strand). VCF-style: chr1-92480882-C-G. GRCh37 (hg19) VCF-style: chr1-92946439-C-G.
Other names: c.505G>C, p.Gly169Arg (NM_001127215.3, NM_001127216.3); short protein forms G169R.
Identifiers: ClinVar variation 3853703 (VCV003853703.1).